The following is an entry in ClinVar:

NM_000059.4(BRCA2):c.5745G>A (p.Thr1915=)

Gene: BRCA2 (BRCA2 DNA repair associated; plus strand). Cytogenetic location: 13q13.1.
Variant type: single nucleotide variant.
Coding change: c.5745G>A on transcript NM_000059.4 (MANE Select); coding-DNA position 5745, G replaced by A.
Protein change: p.Thr1915=; no amino-acid change (threonine 1915 retained).
Molecular consequence: synonymous variant.
Genome position (GRCh38, 1-based): chr13:32,340,100, G>A. VCF-style: chr13-32340100-G-A. GRCh37 (hg19) VCF-style: chr13-32914237-G-A.
Identifiers: ClinVar variation 184017 (VCV000184017.31), dbSNP rs1799953, ClinGen allele CA023145.

ClinVar aggregate classification (germline): Likely benign. Review status: reviewed by expert panel (3 of 4 stars). 12 submissions from 12 submitters: Likely benign (1). 11 of the submissions do not count toward it. Last evaluated 2017-06-29.

Conditions:
Hereditary cancer-predisposing syndrome. Also called: Tumor predisposition; Neoplastic Syndromes, Hereditary; Hereditary neoplastic syndrome; Hereditary Cancer Syndrome. Identifiers: Orphanet 140162, MedGen C0027672, MeSH D009386, MONDO:0015356.
Hereditary breast ovarian cancer syndrome. Also called: Hereditary breast and ovarian cancer syndrome; Hereditary breast and ovarian cancer syndrome (HBOC); Hereditary breast and ovarian cancer; Breast and ovarian cancer; BRCA1- and BRCA2-Associated Hereditary Breast and Ovarian Cancer; Hereditary breast and/or ovarian cancer syndrome. Identifiers: Orphanet 145, MedGen C0677776, MeSH D061325, MONDO:0003582. Disease mechanism: loss of function.
Breast-ovarian cancer, familial, susceptibility to, 2 (BROVCA2). Also called: BRCA2 Hereditary Breast and Ovarian Cancer. Identifiers: Orphanet 145, MedGen C2675520, MONDO:0012933, OMIM 612555. Disease mechanism: loss of function.

Allele frequency attached by ClinVar (database versions not stated): gnomAD 0.00001 and 0.00003; gnomAD exomes 0.00002; TOPMed 0.00002; ExAC 0.00003; 1000 Genomes Project 0.00040; 1000 Genomes Project 30x 0.00047.
gnomAD v4.1: 35 of 1,613,698 alleles (0.0022%); highest among the groups gnomAD compares: East Asian, 0.0045%; no homozygotes.

Submissions (12):

Evidence-based Network for the Interpretation of Germline Mutant Alleles (ENIGMA)
Classification: Likely benign for Breast-ovarian cancer, familial, susceptibility to, 2. Last evaluated: 2017-06-29. Review status: reviewed by expert panel. Criteria: ENIGMA BRCA1/2 Classification Criteria (2017-06-29). Collection method: curation. Allele origin: germline.
Comment: Synonymous substitution variant, with low bioinformatic likelihood to result in a splicing aberration (Splicing prior probability 0.02).

Labcorp Genetics (formerly Invitae), Labcorp
Classification: Likely benign for Hereditary breast ovarian cancer syndrome. Last evaluated: 2026-01-06. Review status: criteria provided, single submitter. Criteria: Invitae Variant Classification Sherloc (09022015). Collection method: clinical testing. Allele origin: germline. Not counted in ClinVar's aggregate classification.

Quest Diagnostics Nichols Institute San Juan Capistrano
Classification: Likely benign. Last evaluated: 2025-02-18. Review status: criteria provided, single submitter. Criteria: Quest Diagnostics criteria. Collection method: clinical testing. Allele origin: unknown. Not counted in ClinVar's aggregate classification.

Blueprint Genetics
Classification: Likely benign. Last evaluated: 2024-11-15. Review status: criteria provided, single submitter. Criteria: ACMG Guidelines, 2015. Collection method: clinical testing. Allele origin: germline. Not counted in ClinVar's aggregate classification.

ARUP Laboratories, Molecular Genetics and Genomics, ARUP Laboratories
Classification: Likely benign. Last evaluated: 2024-03-18. Review status: criteria provided, single submitter. Criteria: ARUP Molecular Germline Variant Investigation Process 2024. Collection method: clinical testing. Allele origin: germline. Not counted in ClinVar's aggregate classification.

All of Us Research Program, National Institutes of Health
Classification: Likely benign for Breast-ovarian cancer, familial, susceptibility to, 2. Last evaluated: 2023-06-08. Review status: criteria provided, single submitter. Criteria: ACMG Guidelines, 2015. Collection method: clinical testing. Allele origin: germline. Inheritance: Autosomal dominant inheritance. Observed: 3 variant alleles, 3 heterozygotes. Not counted in ClinVar's aggregate classification.
Comment: This study involves interpretation of variants in research participants for the purpose of population health screening. Participant phenotype was not available at the time of variant classification. Additional details can be found in publication PMID: 35346344, PMCID: PMC8962531

Sema4
Classification: Likely benign for Hereditary cancer-predisposing syndrome. Last evaluated: 2020-10-12. Review status: criteria provided, single submitter. Criteria: Sema4 Curation Guidelines. Collection method: curation. Allele origin: germline. Not counted in ClinVar's aggregate classification.

Women's Health and Genetics/Laboratory Corporation of America, LabCorp
Classification: Likely benign. Last evaluated: 2019-04-16. Review status: criteria provided, single submitter. Criteria: LabCorp Variant Classification Summary - May 2015. Collection method: clinical testing. Allele origin: germline. Not counted in ClinVar's aggregate classification.
Comment: Variant summary: BRCA2 c.5745G>A alters a non-conserved nucleotide resulting in a synonymous change. 5/5 computational tools predict no significant impact on normal splicing. However, these predictions have yet to be confirmed by functional studies. The variant allele was found at a frequency of 2.4e-05 in 250576 control chromosomes (gnomAD). The available data on variant occurrences in the general population are insufficient to allow any conclusion about variant significance. c.5745G>A has been reported in the literature in affected individual(s) (Caux-Moncoutier_BRCA2_HM_2011). This report does not provide unequivocal conclusions about association of the variant with Hereditary Breast and Ovarian Cancer. The variant has also been reported in the FLOSSIES database in a woman older than age 70 years who has never had cancer, providing supporting evidence for a benign role. To our knowledge, no experimental evidence demonstrating an impact on protein function has been reported. Three ClinVar submissions from clinical diagnostic laboratories and an expert panel (ENIGMA) (evaluation after 2014) cite the variant as likely benign. Based on the evidence outlined above, the variant was classified as likely benign.

Color Diagnostics, LLC DBA Color Health
Classification: Likely benign for Hereditary cancer-predisposing syndrome. Last evaluated: 2017-06-12. Review status: criteria provided, single submitter. Criteria: ACMG Guidelines, 2015. Collection method: clinical testing. Allele origin: germline. Not counted in ClinVar's aggregate classification.

GeneDx
Classification: Benign. Last evaluated: 2015-03-03. Review status: criteria provided, single submitter. Criteria: GeneDx Variant Classification Process June 2021. Collection method: clinical testing. Allele origin: germline. Affected: yes. Not counted in ClinVar's aggregate classification.

Ambry Genetics
Classification: Likely benign for Hereditary cancer-predisposing syndrome. Last evaluated: 2014-11-26. Review status: criteria provided, single submitter. Criteria: Ambry Variant Classification Scheme 2023. Collection method: clinical testing. Allele origin: germline. Not counted in ClinVar's aggregate classification.

Department of Pathology and Laboratory Medicine, Sinai Health System
Classification: Likely benign. Review status: no assertion criteria provided. Collection method: clinical testing. Allele origin: unknown. Affected: yes. Observed: 1 variant allele. Study: The Canadian Open Genetics Repository (COGR). Not counted in ClinVar's aggregate classification.
Comment: The BRCA2 p.Thr1915Thr variant was identified by Caux-Moncoutier (2011) in at least one individual with breast or ovarian cancer, and was also identified twice in UMD as an unclassified variant. The variant is not expected to have clinical significance because it does not result in a change of amino acid and is not located in a known consensus splice site. The variant was listed in dbSNP (ID: rs1799953) with a minor allele frequency of 0.001 (1000 Genomes Project), increasing the likelihood that this may be a low frequency benign variant in certain populations. In summary, based on the above information, the clinical significance of this variant cannot be determined with certainty at this time although we would lean towards a more benign role for this variant. This variant is classified as predicted benign.

Literature cited by the submitters: PubMed 21120943 (cited by Quest Diagnostics Nichols Institute San Juan Capistrano).